The following is an entry in ClinVar:

NM_003922.4(HERC1):c.8455C>G (p.Leu2819Val)

Gene: HERC1 (HECT and RLD domain containing E3 ubiquitin protein ligase family member 1; minus strand). Cytogenetic location: 15q22.31.
Variant type: single nucleotide variant.
Coding change: c.8455C>G on transcript NM_003922.4 (MANE Select); coding-DNA position 8455, C replaced by G.
Protein change: p.Leu2819Val; replaces leucine 2819 with valine.
Molecular consequence: missense variant.
Genome position (GRCh38, 1-based): chr15:63,666,019, G>C on the plus strand (C>G on the coding strand, the complement: HERC1 is on the minus strand). VCF-style: chr15-63666019-G-C. GRCh37 (hg19) VCF-style: chr15-63958218-G-C.
Other names: short protein forms L2819V.
Identifiers: ClinVar variation 1708680 (VCV001708680.2), dbSNP rs1555414085, ClinGen allele CA392763112.

ClinVar aggregate classification (germline): Uncertain significance (1 of 4 stars; one submission).

gnomAD v4.1: 2 of 1,613,996 alleles (0.00012%); highest among the groups gnomAD compares: Non-Finnish European, 0.000085%; no homozygotes.

Submission:

GeneDx
Classification: Uncertain significance. Last evaluated: 2022-04-05. Review status: criteria provided, single submitter. Criteria: GeneDx Variant Classification Process June 2021. Collection method: clinical testing. Allele origin: germline. Affected: yes.
Comment: Not observed at significant frequency in large population cohorts (gnomAD); In silico analysis supports that this missense variant does not alter protein structure/function; Has not been previously published as pathogenic or benign to our knowledge